The following is an entry in ClinVar:

NM_001844.4(COL2A1):c.-246G>T

Gene: COL2A1 (collagen type II alpha 1 chain; minus strand). Cytogenetic location: 12q13.11.
Variant type: single nucleotide variant.
Coding change: c.-246G>T on transcript NM_001844.4; 246 bases upstream of the start codon, G replaced by T.
Genome position (GRCh38, 1-based): chr12:48,004,567, C>A on the plus strand (G>T on the coding strand, the complement: COL2A1 is on the minus strand). VCF-style: chr12-48004567-C-A. GRCh37 (hg19) VCF-style: chr12-48398350-C-A.
Identifiers: ClinVar variation 674834 (VCV000674834.4), dbSNP rs10783226, ClinGen allele CA13588327.

ClinVar aggregate classification (germline): Benign. Review status: criteria provided, multiple submitters, no conflicts (2 of 4 stars). 2 submissions from 2 submitters: Benign (2). Last evaluated 2018-06-18.

Allele frequency attached by ClinVar (database versions not stated): 1000 Genomes Project 30x 0.68410; gnomAD 0.75123; TOPMed 0.74041.
gnomAD v4.1: 340,950 of 438,366 alleles (78%); highest among the groups gnomAD compares: Non-Finnish European, 84%; 134,515 homozygotes.

Submissions (2):

GeneDx
Classification: Benign. Last evaluated: 2018-06-18. Review status: criteria provided, single submitter. Criteria: GeneDx Variant Classification (06012015). Collection method: clinical testing. Allele origin: germline. Affected: yes.
Comment: This variant is considered likely benign or benign based on one or more of the following criteria: it is a conservative change, it occurs at a poorly conserved position in the protein, it is predicted to be benign by multiple in silico algorithms, and/or has population frequency not consistent with disease.

Breakthrough Genomics
Classification: Benign. Review status: criteria provided, single submitter. Criteria: ACMG Guidelines, 2015. Collection method: not provided. Allele origin: germline. Inheritance: Autosomal dominant inheritance. Affected: yes.